The following is an entry in ClinVar:

NM_000038.6(APC):c.6853G>A (p.Val2285Ile)

Gene: APC (APC regulator of Wnt signaling pathway; plus strand). Cytogenetic location: 5q22.2.
Variant type: single nucleotide variant.
Coding change: c.6853G>A on transcript NM_000038.6 (MANE Select); coding-DNA position 6853, G replaced by A.
Protein change: p.Val2285Ile; replaces valine 2285 with isoleucine.
Molecular consequence: missense variant.
Genome position (GRCh38, 1-based): chr5:112,842,447, G>A. VCF-style: chr5-112842447-G-A. GRCh37 (hg19) VCF-style: chr5-112178144-G-A.
Other names: c.6853G>A, p.Val2285Ile (NM_001127510.3, NM_001354895.2); c.6799G>A, p.Val2267Ile (NM_001127511.3); c.6907G>A, p.Val2303Ile (NM_001354896.2); c.6883G>A, p.Val2295Ile (NM_001354897.2); c.6778G>A, p.Val2260Ile (NM_001354898.2); c.6769G>A, p.Val2257Ile (NM_001354899.2); c.6730G>A, p.Val2244Ile (NM_001354900.2); c.6676G>A, p.Val2226Ile (NM_001354901.2); and 5 more; short protein forms V2267I, V2285I, V2125I, V2184I, V2244I, V2260I, V2303I, V2002I.
Identifiers: ClinVar variation 490345 (VCV000490345.21), dbSNP rs1554087794, ClinGen allele CA16036290.

ClinVar aggregate classification (germline): Uncertain significance. Review status: criteria provided, multiple submitters, no conflicts (2 of 4 stars). 4 submissions from 4 submitters: Uncertain significance (4). Last evaluated 2025-02-21.

Conditions:
Familial adenomatous polyposis 1 (FAP1). Also called: POLYPOSIS, ADENOMATOUS INTESTINAL; FAMILIAL ADENOMATOUS POLYPOSIS 1, ATTENUATED. Identifiers: MedGen C2713442, MONDO:0021056, OMIM 175100. Disease mechanism: loss of function.
Hereditary cancer-predisposing syndrome. Also called: Hereditary Cancer Syndrome; Neoplastic Syndromes, Hereditary; Tumor predisposition; Hereditary neoplastic syndrome. Identifiers: Orphanet 140162, MedGen C0027672, MeSH D009386, MONDO:0015356.

Submissions (4):

Ambry Genetics
Classification: Uncertain significance for Hereditary cancer-predisposing syndrome. Last evaluated: 2025-02-21. Review status: criteria provided, single submitter. Criteria: Ambry Variant Classification Scheme 2023. Collection method: clinical testing. Allele origin: germline.
Comment: The p.V2285I variant (also known as c.6853G>A), located in coding exon 15 of the APC gene, results from a G to A substitution at nucleotide position 6853. The valine at codon 2285 is replaced by isoleucine, an amino acid with highly similar properties. This amino acid position is not well conserved in available vertebrate species. In addition, in silico predictors for this gene do not accurately predict pathogenicity. Missense alterations in APC are not a common cause of disease (Spier I et al. Genet Med. 2024 Feb;26(2):100992). Based on the available evidence, the clinical significance of this variant remains unclear.

Labcorp Genetics (formerly Invitae), Labcorp
Classification: Uncertain significance for Familial adenomatous polyposis 1. Last evaluated: 2024-09-12. Review status: criteria provided, single submitter. Criteria: Invitae Variant Classification Sherloc (09022015). Collection method: clinical testing. Allele origin: germline.
Comment: This sequence change replaces valine, which is neutral and non-polar, with isoleucine, which is neutral and non-polar, at codon 2285 of the APC protein (p.Val2285Ile). This variant is not present in population databases (gnomAD no frequency). This variant has not been reported in the literature in individuals affected with APC-related conditions. ClinVar contains an entry for this variant (Variation ID: 490345). Invitae Evidence Modeling of protein sequence and biophysical properties (such as structural, functional, and spatial information, amino acid conservation, physicochemical variation, residue mobility, and thermodynamic stability) indicates that this missense variant is not expected to disrupt APC protein function with a negative predictive value of 95%. In summary, the available evidence is currently insufficient to determine the role of this variant in disease. Therefore, it has been classified as a Variant of Uncertain Significance.

Color Diagnostics, LLC DBA Color Health
Classification: Uncertain significance for Hereditary cancer-predisposing syndrome. Last evaluated: 2019-02-09. Review status: criteria provided, single submitter. Criteria: ACMG Guidelines, 2015. Collection method: clinical testing. Allele origin: germline.

Women's Health and Genetics/Laboratory Corporation of America, LabCorp
Classification: Uncertain significance. Last evaluated: 2018-02-16. Review status: criteria provided, single submitter. Criteria: LabCorp Variant Classification Summary - May 2015. Collection method: clinical testing. Allele origin: germline.
Comment: Variant summary: APC c.6853G>A (p.Val2285Ile) results in a conservative amino acid change located in the Adenomatous polyposis coli protein basic domain of the encoded protein sequence. Five of five in-silico tools predict a benign effect of the variant on protein function. The variant was absent in 121016 control chromosomes. The available data on variant occurrences in the general population are insufficient to allow any conclusion about variant significance. To our knowledge, no occurrence of c.6853G>A in individuals affected with Familial Adenomatous Polyposis and no experimental evidence demonstrating its impact on protein function have been reported. No clinical diagnostic laboratories have submitted clinical-significance assessments for this variant to ClinVar after 2014. Based on the evidence outlined above, the variant was classified as uncertain significance.